The following is an entry in ClinVar:

ClinVar aggregate classification (germline): Uncertain significance (1 of 4 stars; one submission).

Conditions:
Cardiovascular phenotype. Identifiers: MedGen CN230736.

gnomAD v4.1: 2 of 1,614,014 alleles (0.00012%); highest among the groups gnomAD compares: Non-Finnish European, 0.00017%; no homozygotes.

Submission:

Ambry Genetics
Classification: Uncertain significance for Cardiovascular phenotype. Last evaluated: 2025-06-30. Review status: criteria provided, single submitter. Criteria: Ambry Variant Classification Scheme 2023. Collection method: clinical testing. Allele origin: germline.
Comment: The p.T1664A variant (also known as c.4990A>G), located in coding exon 30 of the FLNC gene, results from an A to G substitution at nucleotide position 4990. The threonine at codon 1664 is replaced by alanine, an amino acid with similar properties. This amino acid position is conserved. In addition, the in silico prediction for this alteration is inconclusive. Based on the available evidence, the clinical significance of this variant remains unclear.

NM_001458.5(FLNC):c.4990A>G (p.Thr1664Ala)

Gene: FLNC (filamin C; plus strand). Cytogenetic location: 7q32.1.
Variant type: single nucleotide variant.
Coding change: c.4990A>G on transcript NM_001458.5 (MANE Select); coding-DNA position 4990, A replaced by G.
Protein change: p.Thr1664Ala; replaces threonine 1664 with alanine.
Molecular consequence: missense variant.
Genome position (GRCh38, 1-based): chr7:128,849,369, A>G. VCF-style: chr7-128849369-A-G. GRCh37 (hg19) VCF-style: chr7-128489423-A-G.
Other names: c.4990A>G, p.Thr1664Ala (NM_001127487.2); short protein forms T1664A.
Identifiers: ClinVar variation 4258270 (VCV004258270.1).